The following is an entry in ClinVar:

NM_024747.6(HPS6):c.407_429del (p.Gly136fs)

Gene: HPS6 (HPS6 biogenesis of lysosomal organelles complex 2 subunit 3; plus strand). Cytogenetic location: 10q24.32.
Variant type: Deletion.
Coding change: c.407_429del on transcript NM_024747.6 (MANE Select); coding-DNA positions 407 to 429, 23 bases deleted (GCCGCCTGGTGTGGTGCGAGGAG).
Protein change: p.Gly136fs; shifts the reading frame from glycine 136.
Molecular consequence: frameshift variant.
Genome position (GRCh38, 1-based): chr10:102,065,881-102,065,903, GCCGCCTGGTGTGGTGCGAGGAG deleted; deleting any 23 consecutive bases within chr10:102,065,878-102,065,903 gives the same sequence; the c. name uses the placement nearest the transcript's 3' end. VCF-style (leftmost placement, unchanged base first): chr10-102065877-CGAGGCCGCCTGGTGTGGTGCGAG-C. GRCh37 (hg19) VCF-style: chr10-103825634-CGAGGCCGCCTGGTGTGGTGCGAG-C.
Other names: short protein forms G136fs.
Identifiers: ClinVar variation 2699694 (VCV002699694.3), dbSNP rs2540986604, ClinGen allele CA2697558742.

ClinVar aggregate classification (germline): Pathogenic (1 of 4 stars; one submission).

Submission:

Labcorp Genetics (formerly Invitae), Labcorp
Classification: Pathogenic. Last evaluated: 2023-06-09. Review status: criteria provided, single submitter. Criteria: Invitae Variant Classification Sherloc (09022015). Collection method: clinical testing. Allele origin: germline.
Comment: For these reasons, this variant has been classified as Pathogenic. This variant disrupts a region of the HPS6 protein in which other variant(s) (p.Arg667*) have been determined to be pathogenic (PMID: 33878481; Invitae). This suggests that this is a clinically significant region of the protein, and that variants that disrupt it are likely to be disease-causing. This variant has not been reported in the literature in individuals affected with HPS6-related conditions. This variant is not present in population databases (gnomAD no frequency). This sequence change creates a premature translational stop signal (p.Gly136Alafs*32) in the HPS6 gene. While this is not anticipated to result in nonsense mediated decay, it is expected to disrupt the last 640 amino acid(s) of the HPS6 protein.

Literature cited by the submitters: PubMed 33878481.